The following is an entry in ClinVar:

ClinVar aggregate classification (germline): Uncertain significance (1 of 4 stars; one submission).

Conditions:
Hereditary cancer-predisposing syndrome. Also called: Hereditary Cancer Syndrome; Hereditary neoplastic syndrome; Neoplastic Syndromes, Hereditary; Tumor predisposition. Identifiers: Orphanet 140162, MedGen C0027672, MeSH D009386, MONDO:0015356.

Submission:

Ambry Genetics
Classification: Uncertain significance for Hereditary cancer-predisposing syndrome. Last evaluated: 2025-04-10. Review status: criteria provided, single submitter. Criteria: Ambry Variant Classification Scheme 2023. Collection method: clinical testing. Allele origin: germline.
Comment: The p.S2578L variant (also known as c.7733C>T), located in coding exon 15 of the APC gene, results from a C to T substitution at nucleotide position 7733. The serine at codon 2578 is replaced by leucine, an amino acid with dissimilar properties. This amino acid position is conserved. In addition, in silico predictors for this gene do not accurately predict pathogenicity. Based on the available evidence, the clinical significance of this variant remains unclear.

NM_000038.6(APC):c.7733C>T (p.Ser2578Leu)

Gene: APC (APC regulator of Wnt signaling pathway; plus strand). Cytogenetic location: 5q22.2.
Variant type: single nucleotide variant.
Coding change: c.7733C>T on transcript NM_000038.6 (MANE Select); coding-DNA position 7733, C replaced by T.
Protein change: p.Ser2578Leu; replaces serine 2578 with leucine.
Molecular consequence: missense variant. On other transcripts: non-coding transcript variant (2).
Genome position (GRCh38, 1-based): chr5:112,843,327, C>T. VCF-style: chr5-112843327-C-T. GRCh37 (hg19) VCF-style: chr5-112179024-C-T.
Other names: c.7733C>T, p.Ser2578Leu (NM_001127510.3, NM_001354895.2, NM_001407450.1); c.7679C>T, p.Ser2560Leu (NM_001127511.3); c.7787C>T, p.Ser2596Leu (NM_001354896.2, NM_001407447.1, NM_001407448.1 and 1 more transcripts); c.7763C>T, p.Ser2588Leu (NM_001354897.2); c.7658C>T, p.Ser2553Leu (NM_001354898.2); c.7649C>T, p.Ser2550Leu (NM_001354899.2); c.7610C>T, p.Ser2537Leu (NM_001354900.2); c.7556C>T, p.Ser2519Leu (NM_001354901.2, NM_001407453.1); and 11 more; short protein forms S2449L, S2487L, S2519L, S2578L, S2194L, S2295L, S2418L, S2550L.
Identifiers: ClinVar variation 3928637 (VCV003928637.1).